The following is an entry in ClinVar:

NM_004260.4(RECQL4):c.1990C>T (p.Leu664Phe)

Gene: RECQL4 (RecQ like helicase 4; minus strand). Cytogenetic location: 8q24.3.
Variant type: single nucleotide variant.
Coding change: c.1990C>T on transcript NM_004260.4 (MANE Select); coding-DNA position 1990, C replaced by T.
Protein change: p.Leu664Phe; replaces leucine 664 with phenylalanine.
Molecular consequence: missense variant. On other transcripts: non-coding transcript variant (3).
Genome position (GRCh38, 1-based): chr8:144,513,996, G>A on the plus strand (C>T on the coding strand, the complement: RECQL4 is on the minus strand). VCF-style: chr8-144513996-G-A. GRCh37 (hg19) VCF-style: chr8-145739380-G-A.
Other names: c.1894C>T, p.Leu632Phe (NM_001413017.1, NM_001413020.1); c.1990C>T, p.Leu664Phe (NM_001413018.1, NM_001413019.1, NM_001413036.1); c.919C>T, p.Leu307Phe (NM_001413021.1, NM_001413022.1, NM_001413023.1 and 6 more transcripts); c.1861C>T, p.Leu621Phe (NM_001413025.1); c.853C>T, p.Leu285Phe (NM_001413027.1, NM_001413041.1, NM_001413030.1 and 1 more transcripts); c.1960C>T, p.Leu654Phe (NM_001413039.1); c.889C>T, p.Leu297Phe (NM_001413042.1); c.523C>T, p.Leu175Phe (NM_001413043.1); and 5 more; short protein forms L263F, L621F, L175F, L547F, L654F, L664F, L241F, L285F.
Identifiers: ClinVar variation 2912977 (VCV002912977.4), dbSNP rs1415312440, ClinGen allele CA372680351.

ClinVar aggregate classification (germline): Uncertain significance. Review status: criteria provided, multiple submitters, no conflicts (2 of 4 stars). 2 submissions from 2 submitters: Uncertain significance (2). Last evaluated 2025-12-20.

Conditions:
Baller-Gerold syndrome (BGS). Also called: CRANIOSYNOSTOSIS WITH RADIAL DEFECTS. Identifiers: Orphanet 1225, MedGen C0265308, MONDO:0009039, OMIM 218600.
Inborn genetic diseases. Identifiers: MedGen C0950123, MeSH D030342.

Allele frequency attached by ClinVar (database versions not stated): TOPMed below 0.00001.

Submissions (2):

Ambry Genetics
Classification: Uncertain significance for Inborn genetic diseases. Last evaluated: 2025-12-20. Review status: criteria provided, single submitter. Criteria: Ambry Variant Classification Scheme 2023. Collection method: clinical testing. Allele origin: germline.
Comment: The p.L664F variant (also known as c.1990C>T), located in coding exon 12 of the RECQL4 gene, results from a C to T substitution at nucleotide position 1990. The leucine at codon 664 is replaced by phenylalanine, an amino acid with highly similar properties. This amino acid position is conserved. In addition, this alteration is predicted to be tolerated by in silico analysis. Based on the available evidence, the clinical significance of this variant remains unclear.

Labcorp Genetics (formerly Invitae), Labcorp
Classification: Uncertain significance for Baller-Gerold syndrome. Last evaluated: 2025-07-21. Review status: criteria provided, single submitter. Criteria: Invitae Variant Classification Sherloc (09022015). Collection method: clinical testing. Allele origin: germline.
Comment: This sequence change replaces leucine, which is neutral and non-polar, with phenylalanine, which is neutral and non-polar, at codon 664 of the RECQL4 protein (p.Leu664Phe). This variant is present in population databases (no rsID available, gnomAD no frequency). This variant has not been reported in the literature in individuals affected with RECQL4-related conditions. ClinVar contains an entry for this variant (Variation ID: 2912977). Invitae Evidence Modeling of protein sequence and biophysical properties (such as structural, functional, and spatial information, amino acid conservation, physicochemical variation, residue mobility, and thermodynamic stability) indicates that this missense variant is not expected to disrupt RECQL4 protein function with a negative predictive value of 80%. In summary, the available evidence is currently insufficient to determine the role of this variant in disease. Therefore, it has been classified as a Variant of Uncertain Significance.